The following is an entry in ClinVar:

ClinVar aggregate classification (germline): Uncertain significance (1 of 4 stars; one submission).

Submission:

Dasa
Classification: Uncertain significance. Last evaluated: 2026-04-10. Review status: criteria provided, single submitter. Criteria: DASA Assertion Criteria. Collection method: clinical testing. Allele origin: germline.
Comment: NM_006035.4(CDC42BPB):c.1953G>T (p.Glu651Asp) is a missense variant that results in the substitution of glutamic acid with aspartic acid. This variant is absent from population databases. The currently available literature and clinical evidence are not sufficient to establish a definitive association between this variant and the reported condition. Therefore, this variant is classified as a variant of uncertain significance.

NM_006035.4(CDC42BPB):c.1953G>T (p.Glu651Asp)

Gene: CDC42BPB (CDC42 binding protein kinase beta; minus strand). Cytogenetic location: 14q32.32.
Variant type: single nucleotide variant.
Coding change: c.1953G>T on transcript NM_006035.4 (MANE Select); coding-DNA position 1953, G replaced by T.
Protein change: p.Glu651Asp; replaces glutamic acid 651 with aspartic acid.
Molecular consequence: missense variant.
Genome position (GRCh38, 1-based): chr14:102,970,193, C>A on the plus strand (G>T on the coding strand, the complement: CDC42BPB is on the minus strand). VCF-style: chr14-102970193-C-A. GRCh37 (hg19) VCF-style: chr14-103436530-C-A.
Other names: c.1953G>T, p.Glu651Asp (NM_001411054.1); short protein forms E651D.
Identifiers: ClinVar variation 5020672 (VCV005020672.1).